The following is an entry in ClinVar:

NM_014112.5(TRPS1):c.264G>T (p.Leu88Phe)

Gene: TRPS1 (transcriptional repressor GATA binding 1; minus strand). Cytogenetic location: 8q23.3.
Variant type: single nucleotide variant.
Coding change: c.264G>T on transcript NM_014112.5 (MANE Select); coding-DNA position 264, G replaced by T.
Protein change: p.Leu88Phe; replaces leucine 88 with phenylalanine.
Molecular consequence: missense variant.
Genome position (GRCh38, 1-based): chr8:115,619,834, C>A on the plus strand (G>T on the coding strand, the complement: TRPS1 is on the minus strand). VCF-style: chr8-115619834-C-A. GRCh37 (hg19) VCF-style: chr8-116632061-C-A.
Other names: c.237G>T, p.Leu79Phe (NM_001282902.3); c.243G>T, p.Leu81Phe (NM_001282903.3); c.225G>T, p.Leu75Phe (NM_001330599.2); short protein forms L88F, L79F, L81F, L75F.
Identifiers: ClinVar variation 3462268 (VCV003462268.3).

ClinVar aggregate classification (germline): Uncertain significance. Review status: criteria provided, multiple submitters, no conflicts (2 of 4 stars). 2 submissions from 2 submitters: Uncertain significance (2). Last evaluated 2025-05-13.

Conditions:
Trichorhinophalangeal dysplasia type I (TRPS1). Also called: TRICHORHINOPHALANGEAL SYNDROME, TYPE I; TRPS I. Identifiers: Orphanet 77258, MedGen C0432233, MONDO:0008596, OMIM 190350.
Trichorhinophalangeal syndrome, type III (TRPS3). Also called: SUGIO-KAJII SYNDROME. Identifiers: Orphanet 77258, MedGen C1860823, OMIM 190351, MONDO:0008597.
Inborn genetic diseases. Identifiers: MedGen C0950123, MeSH D030342.

gnomAD v4.1: 6 of 1,614,206 alleles (0.00037%); highest among the groups gnomAD compares: Admixed American, 0.005%; no homozygotes.

Submissions (2):

Labcorp Genetics (formerly Invitae), Labcorp
Classification: Uncertain significance for Trichorhinophalangeal syndrome, type III; Trichorhinophalangeal dysplasia type I. Last evaluated: 2025-05-13. Review status: criteria provided, single submitter. Criteria: Invitae Variant Classification Sherloc (09022015). Collection method: clinical testing. Allele origin: germline.
Comment: This sequence change replaces leucine, which is neutral and non-polar, with phenylalanine, which is neutral and non-polar, at codon 88 of the TRPS1 protein (p.Leu88Phe). This variant is present in population databases (rs764529424, gnomAD 0.009%). This variant has not been reported in the literature in individuals affected with TRPS1-related conditions. ClinVar contains an entry for this variant (Variation ID: 3462268). Invitae Evidence Modeling of protein sequence and biophysical properties (such as structural, functional, and spatial information, amino acid conservation, physicochemical variation, residue mobility, and thermodynamic stability) indicates that this missense variant is not expected to disrupt TRPS1 protein function with a negative predictive value of 80%. In summary, the available evidence is currently insufficient to determine the role of this variant in disease. Therefore, it has been classified as a Variant of Uncertain Significance.

Ambry Genetics
Classification: Uncertain significance for Inborn genetic diseases. Last evaluated: 2024-10-06. Review status: criteria provided, single submitter. Criteria: Ambry Variant Classification Scheme 2023. Collection method: clinical testing. Allele origin: germline.